The following is an entry in ClinVar:

ClinVar aggregate classification (germline): Uncertain significance (1 of 4 stars; one submission).

gnomAD v4.1: 24 of 1,613,176 alleles (0.0015%); highest among the groups gnomAD compares: Non-Finnish European, 0.0019%; no homozygotes.

Submission:

Women's Health and Genetics/Laboratory Corporation of America, LabCorp
Classification: Uncertain significance. Last evaluated: 2026-06-16. Review status: criteria provided, single submitter. Criteria: LabCorp Variant Classification Summary - May 2015. Collection method: clinical testing. Allele origin: germline.
Comment: Variant summary: SMC3 c.2720T>C (p.Met907Thr) results in a non-conservative amino acid change in the encoded protein sequence. Algorithms developed to predict the effect of missense changes on protein structure and function are either unavailable or do not agree on the potential impact of this missense change. The variant was absent in 250976 control chromosomes. The available data on variant occurrences in the general population are insufficient to allow any conclusion about variant significance. To our knowledge, no occurrence of c.2720T>C in individuals affected with SMC3-related conditions and no experimental evidence demonstrating its impact on protein function have been reported. No submitters have cited clinical-significance assessments for this variant to ClinVar. Based on the evidence outlined above, the variant was classified as uncertain significance.

NM_005445.4(SMC3):c.2720T>C (p.Met907Thr)

Gene: SMC3 (structural maintenance of chromosomes 3; plus strand). Cytogenetic location: 10q25.2.
Variant type: single nucleotide variant.
Coding change: c.2720T>C on transcript NM_005445.4 (MANE Select); coding-DNA position 2720, T replaced by C.
Protein change: p.Met907Thr; replaces methionine 907 with threonine.
Molecular consequence: missense variant.
Genome position (GRCh38, 1-based): chr10:110,601,712, T>C. VCF-style: chr10-110601712-T-C. GRCh37 (hg19) VCF-style: chr10-112361470-T-C.
Other names: short protein forms M907T.
Identifiers: ClinVar variation 4887207 (VCV004887207.1).